The following is an entry in ClinVar:

ClinVar aggregate classification (germline): Uncertain significance. Review status: criteria provided, multiple submitters, no conflicts (2 of 4 stars). 2 submissions from 2 submitters: Uncertain significance (2). Last evaluated 2023-03-20.

Conditions:
Inborn genetic diseases. Identifiers: MedGen C0950123, MeSH D030342.

Allele frequency attached by ClinVar (database versions not stated): TOPMed below 0.00001; gnomAD 0.00001.
gnomAD v4.1: 8 of 1,613,990 alleles (0.0005%); highest among the groups gnomAD compares: African/African-American, 0.0013%; no homozygotes.

Submissions (2):

Ambry Genetics
Classification: Uncertain significance for Inborn genetic diseases. Last evaluated: 2023-03-20. Review status: criteria provided, single submitter. Criteria: Ambry Variant Classification Scheme 2023. Collection method: clinical testing. Allele origin: germline.

Laboratory for Molecular Medicine, Mass General Brigham Personalized Medicine
Classification: Uncertain significance. Last evaluated: 2015-12-16. Review status: criteria provided, single submitter. Criteria: LMM Criteria. Collection method: clinical testing. Allele origin: germline. Observed: 1 variant allele.
Comment: The p.Arg225Cys variant in CSF2RB has not been previously reported in individual s with pulmonary disease or in large population studies. Computational predictio n tools and conservation analysis do not provide strong support for or against a n impact to the protein. In summary, the clinical significance of the p.Arg225Cy s variant is uncertain.

NM_000395.3(CSF2RB):c.673C>T (p.Arg225Cys)

Gene: CSF2RB (colony stimulating factor 2 receptor subunit beta; plus strand). Cytogenetic location: 22q12.3.
Variant type: single nucleotide variant.
Coding change: c.673C>T on transcript NM_000395.3 (MANE Select); coding-DNA position 673, C replaced by T.
Protein change: p.Arg225Cys; replaces arginine 225 with cysteine.
Molecular consequence: missense variant.
Genome position (GRCh38, 1-based): chr22:36,929,762, C>T. VCF-style: chr22-36929762-C-T. GRCh37 (hg19) VCF-style: chr22-37325804-C-T.
Other names: short protein forms R225C.
Identifiers: ClinVar variation 228542 (VCV000228542.6), dbSNP rs145546133, ClinGen allele CA10577140.